The following is an entry in ClinVar:

ClinVar aggregate classification (germline): Uncertain significance (1 of 4 stars; one submission).

Conditions:
TH-deficient dopa-responsive dystonia. Also called: Tyrosine Hydroxylase-Deficient Dopa-Responsive Dystonia; Segawa syndrome, autosomal recessive; DYT-TH. Identifiers: Orphanet 101150, MedGen C2673535, MONDO:0011551, OMIM 605407.

Allele frequency attached by ClinVar (database versions not stated): gnomAD exomes below 0.00001; ExAC 0.00001.

Submission:

Labcorp Genetics (formerly Invitae), Labcorp
Classification: Uncertain significance for TH-deficient dopa-responsive dystonia. Last evaluated: 2022-03-01. Review status: criteria provided, single submitter. Criteria: Invitae Variant Classification Sherloc (09022015). Collection method: clinical testing. Allele origin: germline.
Comment: This sequence change replaces proline, which is neutral and non-polar, with leucine, which is neutral and non-polar, at codon 189 of the TH protein (p.Pro189Leu). This variant is present in population databases (rs776633799, gnomAD 0.003%). This variant has not been reported in the literature in individuals affected with TH-related conditions. Advanced modeling of protein sequence and biophysical properties (such as structural, functional, and spatial information, amino acid conservation, physicochemical variation, residue mobility, and thermodynamic stability) performed at Invitae indicates that this missense variant is not expected to disrupt TH protein function. In summary, the available evidence is currently insufficient to determine the role of this variant in disease. Therefore, it has been classified as a Variant of Uncertain Significance.

NM_000360.4(TH):c.473C>T (p.Pro158Leu)

Gene: TH (tyrosine hydroxylase; minus strand). Cytogenetic location: 11p15.5.
Variant type: single nucleotide variant.
Coding change: c.473C>T on transcript NM_000360.4 (MANE Select); coding-DNA position 473, C replaced by T.
Protein change: p.Pro158Leu; replaces proline 158 with leucine.
Molecular consequence: missense variant.
Genome position (GRCh38, 1-based): chr11:2,168,505, G>A on the plus strand (C>T on the coding strand, the complement: TH is on the minus strand). VCF-style: chr11-2168505-G-A. GRCh37 (hg19) VCF-style: chr11-2189735-G-A.
Other names: c.566C>T, p.Pro189Leu (NM_199292.3); c.554C>T, p.Pro185Leu (NM_199293.3); short protein forms P185L, P158L, P189L.
Identifiers: ClinVar variation 2159370 (VCV002159370.1), dbSNP rs776633799, ClinGen allele CA5818650.
Genomic context (GRCh38, chr11:2,168,505, plus strand): 5'-CTCTCAAGGTCATTTGGTGGCCCTCAAGGACAGAAAACCGCCTCACCCTTGGGCCCCGCG[G>A]GGCTGCGCACGTCCTCTGACACCTGGCGCACACCACTGAGCAGGGCGGCCAGGTCCCCTC-3'
Protein context (NP_000351.2, residues 148-168): VRQVSEDVRS[Pro158Leu]AGPKVPWFPR